The following is an entry in ClinVar:

NM_001009944.3(PKD1):c.7209+2T>C

Gene: PKD1 (polycystin 1, transient receptor potential channel interacting; minus strand). Cytogenetic location: 16p13.3.
Variant type: single nucleotide variant.
Coding change: c.7209+2T>C on transcript NM_001009944.3 (MANE Select); the canonical splice donor site of the intron after coding-DNA position 7209, T replaced by C.
Molecular consequence: splice donor variant.
Genome position (GRCh38, 1-based): chr16:2,106,803, A>G on the plus strand (T>C on the coding strand, the complement: PKD1 is on the minus strand). VCF-style: chr16-2106803-A-G. GRCh37 (hg19) VCF-style: chr16-2156804-A-G.
Other names: c.7209+2T>C (NM_000296.4).
Identifiers: ClinVar variation 3345178 (VCV003345178.1).

ClinVar aggregate classification (germline): Likely pathogenic (0 of 4 stars; one submission).

Conditions:
PKD1-related disorder. Also called: PKD1-related condition.

Submission:

PreventionGenetics, part of Exact Sciences
Classification: Likely pathogenic for PKD1-related condition. Last evaluated: 2024-06-06. Review status: no assertion criteria provided. Collection method: clinical testing. Allele origin: germline.
Comment: The PKD1 c.7209+2T>C variant is predicted to disrupt the GT donor site and interfere with normal splicing. This variant is predicted to disrupt splicing at the splice donor site; however, this is based on computational modeling and has not been functionally validated (SpliceAI, Jaganathan et al. 2019. PubMed ID: 30661751). To our knowledge, this variant has not been reported in the literature or in a large population database, indicating this variant is rare. Variants that disrupt the consensus splice donor site in PKD1 are expected to be pathogenic. This variant is interpreted as likely pathogenic.